The following is an entry in ClinVar:

ClinVar aggregate classification (germline): Conflicting classifications of pathogenicity. Review status: criteria provided, conflicting classifications (1 of 4 stars). 9 submissions from 9 submitters: Pathogenic (4); Likely pathogenic (4); Uncertain significance (1). Last evaluated 2026-05-22.

Conditions:
Arrhythmogenic right ventricular cardiomyopathy (ARVD). Also called: Arrhythmogenic cardiomyopathy; Cardiomyopathy, ARVC; Arrhythmogenic right ventricular dysplasia; Arrhythmogenic Right Ventricular Cardiomyopathy (ARVC). Identifiers: Orphanet 247, MedGen C0349788, MeSH D019571, MONDO:0016587. Disease mechanism: loss of function. Inheritance: Various modes of inheritance.
Dilated cardiomyopathy 1BB (CMD1BB). Also called: CARDIOMYOPATHY, DILATED, 1BB, SUSCEPTIBILITY TO. Identifiers: Orphanet 154, MedGen C2752072, MONDO:0013030, OMIM 612877.
Arrhythmogenic right ventricular dysplasia 10. Also called: Arrhythmogenic Right Ventricular Dysplasia/Cardiomyopathy10; Arrhythmogenic right ventricular dysplasia/cardiomyopathy, type 10; ARRHYTHMOGENIC RIGHT VENTRICULAR DYSPLASIA, FAMILIAL, 10. Identifiers: MedGen C1857777, MONDO:0012434, OMIM 610193.

Submissions (9):

GeneDx
Classification: Likely pathogenic. Last evaluated: 2026-05-22. Review status: criteria provided, single submitter. Criteria: GeneDx Variant Classification Process June 2021. Collection method: clinical testing. Allele origin: germline.
Comment: Frameshift variant predicted to result in protein truncation or nonsense mediated decay in a gene for which loss of function is a known mechanism of disease; Identified in an individual with ARVC who harbored a second frameshift variant in the DSG2 gene; further patient-specific clinical detail was not provided (PMID: 20400443); Not observed at significant frequency in large population cohorts (gnomAD); This variant is associated with the following publications: (PMID: 30790397, 31402444, 20400443, 36264615, 35819174, 27535533)

Dasa
Classification: Uncertain significance. Last evaluated: 2026-03-24. Review status: criteria provided, single submitter. Criteria: DASA Assertion Criteria. Collection method: clinical testing. Allele origin: germline.
Comment: NM_001943.5(DSG2):c.882dup (p.Val295SerfsTer6) is a frameshift variant in DSG2 predicted to alter the reading frame and introduce a premature termination codon and is predicted to result in an absent or altered protein product. This variant is rare in population databases. The currently available literature and clinical evidence are not sufficient to establish a definitive association between this variant and the reported condition. Therefore, this variant is classified as a variant of uncertain significance.

Mendelics
Classification: Pathogenic for Arrhythmogenic right ventricular dysplasia 10. Last evaluated: 2026-03-05. Review status: criteria provided, single submitter. Criteria: ACMG Guidelines, 2015. Collection method: clinical testing. Allele origin: unknown.
Comment: Likely pathogenic/Pathogenic according to ACMG criteria.

OLLIN Analises Genomicas, OLLIN
Classification: Likely pathogenic for Arrhythmogenic right ventricular dysplasia 10. Last evaluated: 2025-12-22. Review status: criteria provided, single submitter. Criteria: ACMG Guidelines 2015 PMID 25741868. Collection method: clinical testing. Allele origin: germline. Affected: yes. Observed: 1 variant allele.
Comment: The frameshift variant (chr18:31524752T>TA), located in exon 8 (of 15), is reported in gnomAD v4.1 non-UKB with an allele frequency of 0.002%, in ClinVar (VCV000691669.16), and in the scientific literature in individuals with arrhythmogenic right ventricular dysplasia (PMID: 20400443, 30790397). This variant promotes a frameshift with subsequent introduction of a premature stop codon, resulting in a truncated protein or mRNA degradation via nonsense-mediated decay (NMD). According to currently available evidence, this variant has been classified as likely pathogenic (PVS1, PM2_P).

CeGaT Center for Human Genetics Tuebingen
Classification: Pathogenic. Last evaluated: 2025-03-01. Review status: criteria provided, single submitter. Criteria: CeGaT Center For Human Genetics Tuebingen Variant Classification Criteria Version 2. Collection method: clinical testing. Allele origin: germline. Affected: yes. Observed: 1 variant allele.
Comment: DSG2: PVS1, PM2

Labcorp Genetics (formerly Invitae), Labcorp
Classification: Pathogenic for Arrhythmogenic right ventricular dysplasia 10. Last evaluated: 2025-01-14. Review status: criteria provided, single submitter. Criteria: Invitae Variant Classification Sherloc (09022015). Collection method: clinical testing. Allele origin: germline.
Comment: This sequence change creates a premature translational stop signal (p.Val295Serfs*6) in the DSG2 gene. It is expected to result in an absent or disrupted protein product. Loss-of-function variants in DSG2 are known to be pathogenic (PMID: 17105751, 31386562). This variant is present in population databases (no rsID available, gnomAD 0.003%). This premature translational stop signal has been observed in individual(s) with arrhythmogenic right ventricular cardiomyopathy (PMID: 20400443, 30790397). This variant is also known as c.882_883insA. ClinVar contains an entry for this variant (Variation ID: 691669). For these reasons, this variant has been classified as Pathogenic.

Fulgent Genetics
Classification: Pathogenic for Arrhythmogenic right ventricular dysplasia 10; Dilated cardiomyopathy 1BB. Last evaluated: 2022-05-03. Review status: criteria provided, single submitter. Criteria: ACMG Guidelines, 2015. Collection method: clinical testing. Allele origin: unknown.

Laboratorio de Genetica e Diagnostico Molecular, Hospital Israelita Albert Einstein
Classification: Likely pathogenic for Arrhythmogenic right ventricular dysplasia 10. Last evaluated: 2020-12-16. Review status: criteria provided, single submitter. Criteria: ACMG Guidelines, 2015. Collection method: clinical testing. Allele origin: germline.
Comment: ACMG classification criteria: PVS1, PM2

Center for Advanced Laboratory Medicine, UC San Diego Health, University of California San Diego
Classification: Likely pathogenic for Arrhythmogenic right ventricular cardiomyopathy. Last evaluated: 2017-02-02. Review status: criteria provided, single submitter. Criteria: ACMG Guidelines, 2015. Collection method: clinical testing. Allele origin: germline. Affected: yes. Observed: 1 variant allele.

Literature cited by the submitters: PubMed 20400443 (cited by OLLIN Analises Genomicas, OLLIN and Labcorp Genetics (formerly Invitae), Labcorp); PubMed 30790397 (cited by OLLIN Analises Genomicas, OLLIN and Labcorp Genetics (formerly Invitae), Labcorp); PubMed 17105751 (cited by Labcorp Genetics (formerly Invitae), Labcorp); PubMed 31386562 (cited by Labcorp Genetics (formerly Invitae), Labcorp).

NM_001943.5(DSG2):c.882dup (p.Val295fs)

Gene: DSG2 (desmoglein 2; plus strand). Cytogenetic location: 18q12.1.
Variant type: Duplication.
Coding change: c.882dup on transcript NM_001943.5 (MANE Select); coding-DNA position 882, one base duplicated (A; older notation c.882dupA).
Protein change: p.Val295fs; shifts the reading frame from valine 295.
Molecular consequence: frameshift variant.
Genome position (GRCh38, 1-based): chr18:31,524,756, A duplicated; the last of 4 consecutive A bases (chr18:31,524,753-31,524,756); duplicating any one gives the same sequence. VCF-style (leftmost placement, unchanged base first): chr18-31524752-T-TA. GRCh37 (hg19) VCF-style: chr18-29104715-T-TA.
Other names: short protein forms V295fs.
Identifiers: ClinVar variation 691669 (VCV000691669.25), dbSNP rs1187924885, ClinGen allele CA629453638.